The following is an entry in ClinVar:

NM_021814.5(ELOVL5):c.658G>A (p.Gly220Arg)

Gene: ELOVL5 (ELOVL fatty acid elongase 5; minus strand). Cytogenetic location: 6p12.1.
Variant type: single nucleotide variant.
Coding change: c.658G>A on transcript NM_021814.5 (MANE Select); coding-DNA position 658, G replaced by A.
Protein change: p.Gly220Arg; replaces glycine 220 with arginine.
Molecular consequence: missense variant.
Genome position (GRCh38, 1-based): chr6:53,270,691, C>T on the plus strand (G>A on the coding strand, the complement: ELOVL5 is on the minus strand). VCF-style: chr6-53270691-C-T. GRCh37 (hg19) VCF-style: chr6-53135489-C-T.
Other names: c.739G>A, p.Gly247Arg (NM_001242828.2); c.533G>A, p.Arg178Gln (NM_001242830.2); c.658G>A, p.Gly220Arg (NM_001301856.2); short protein forms G220R, R178Q, G247R.
Identifiers: ClinVar variation 2805038 (VCV002805038.3), dbSNP rs373489693, ClinGen allele CA3859653.

ClinVar aggregate classification (germline): Uncertain significance (1 of 4 stars; one submission).

Allele frequency attached by ClinVar (database versions not stated): gnomAD exomes below 0.00001; TOPMed below 0.00001; ExAC 0.00001; gnomAD 0.00001; ESP Exome Variant Server 0.00008.
gnomAD v4.1: 2 of 1,613,998 alleles (0.00012%); highest among the groups gnomAD compares: African/African-American, 0.0013%; no homozygotes.

Submission:

Labcorp Genetics (formerly Invitae), Labcorp
Classification: Uncertain significance. Last evaluated: 2023-08-16. Review status: criteria provided, single submitter. Criteria: Invitae Variant Classification Sherloc (09022015). Collection method: clinical testing. Allele origin: germline.
Comment: This sequence change replaces glycine, which is neutral and non-polar, with arginine, which is basic and polar, at codon 220 of the ELOVL5 protein (p.Gly220Arg). This variant is present in population databases (rs373489693, gnomAD 0.007%). This variant has not been reported in the literature in individuals affected with ELOVL5-related conditions. Advanced modeling of protein sequence and biophysical properties (such as structural, functional, and spatial information, amino acid conservation, physicochemical variation, residue mobility, and thermodynamic stability) performed at Invitae indicates that this missense variant is not expected to disrupt ELOVL5 protein function. In summary, the available evidence is currently insufficient to determine the role of this variant in disease. Therefore, it has been classified as a Variant of Uncertain Significance.